The following is an entry in ClinVar:

ClinVar aggregate classification (germline): Uncertain significance (1 of 4 stars; one submission).

Allele frequency attached by ClinVar (database versions not stated): gnomAD exomes below 0.00001 and 0.00001.
gnomAD v4.1: 6 of 1,598,460 alleles (0.00038%); highest among the groups gnomAD compares: Non-Finnish European, 0.00051%; no homozygotes.

Submission:

Labcorp Genetics (formerly Invitae), Labcorp
Classification: Uncertain significance. Last evaluated: 2022-10-05. Review status: criteria provided, single submitter. Criteria: Invitae Variant Classification Sherloc (09022015). Collection method: clinical testing. Allele origin: germline.
Comment: In summary, the available evidence is currently insufficient to determine the role of this variant in disease. Therefore, it has been classified as a Variant of Uncertain Significance. Algorithms developed to predict the effect of missense changes on protein structure and function output the following: SIFT: "Tolerated"; PolyPhen-2: "Benign"; Align-GVGD: "Class C0". The alanine amino acid residue is found in multiple mammalian species, which suggests that this missense change does not adversely affect protein function. ClinVar contains an entry for this variant (Variation ID: 1430694). This variant has not been reported in the literature in individuals affected with IMPG1-related conditions. This variant is present in population databases (no rsID available, gnomAD 0.002%). This sequence change replaces threonine, which is neutral and polar, with alanine, which is neutral and non-polar, at codon 204 of the IMPG1 protein (p.Thr204Ala).

NM_001563.4(IMPG1):c.610A>G (p.Thr204Ala)

Gene: IMPG1 (interphotoreceptor matrix proteoglycan 1; minus strand). Cytogenetic location: 6q14.1.
Variant type: single nucleotide variant.
Coding change: c.610A>G on transcript NM_001563.4 (MANE Select); coding-DNA position 610, A replaced by G.
Protein change: p.Thr204Ala; replaces threonine 204 with alanine.
Molecular consequence: missense variant.
Genome position (GRCh38, 1-based): chr6:76,022,172, T>C on the plus strand (A>G on the coding strand, the complement: IMPG1 is on the minus strand). VCF-style: chr6-76022172-T-C. GRCh37 (hg19) VCF-style: chr6-76731889-T-C.
Other names: c.376A>G, p.Thr126Ala (NM_001282368.2); short protein forms T204A, T126A.
Identifiers: ClinVar variation 1430694 (VCV001430694.8), dbSNP rs1164791706, ClinGen allele CA364779318.
Genomic context (GRCh38, chr6:76,022,172, plus strand): 5'-TTACTGTTGTAGGCATCTTGGTGTCGTTGAGTGTATTATCGAGAATTTCATTGAGGAGGG[T>C]GTCATCAGGAGTGAGAGGGAAAGGCCCAAGTGAGACGTTGGCAACATCTGTGAAAATTTT-3'
Protein context (NP_001554.2, residues 194-214): LGPFPLTPDD[Thr204Ala]LLNEILDNTL